The following is an entry in ClinVar:

ClinVar aggregate classification (germline): Likely pathogenic (1 of 4 stars; one submission).

Conditions:
Developmental and epileptic encephalopathy, 11 (DEE11). Also called: Early infantile epileptic encephalopathy 11. Identifiers: Orphanet 1934, MedGen C3150987, MONDO:0013388, OMIM 613721.

Submission:

Institute of Human Genetics, University of Leipzig Medical Center
Classification: Likely pathogenic for Developmental and epileptic encephalopathy, 11. Last evaluated: 2023-07-17. Review status: criteria provided, single submitter. Criteria: ACMG Guidelines, 2015. Collection method: clinical testing. Allele origin: unknown. Inheritance: Autosomal dominant inheritance. Affected: yes.
Comment: Criteria applied: PVS1,PM2_SUP

NM_001040142.2(SCN2A):c.4596del (p.Phe1533fs)

Gene: SCN2A (sodium voltage-gated channel alpha subunit 2; plus strand). Cytogenetic location: 2q24.3.
Variant type: Deletion.
Coding change: c.4596del on transcript NM_001040142.2 (MANE Select); coding-DNA position 4596, one base deleted (C; older notation c.4596delC).
Protein change: p.Phe1533fs; shifts the reading frame from phenylalanine 1533.
Molecular consequence: frameshift variant.
Genome position (GRCh38, 1-based): chr2:165,386,790, C deleted. VCF-style (leftmost placement, unchanged base first): chr2-165386789-TC-T. GRCh37 (hg19) VCF-style: chr2-166243299-TC-T.
Other names: c.4596del, p.Phe1533fs (NM_001040143.2, NM_001371246.1, NM_001371247.1 and 1 more transcripts); short protein forms F1533fs.
Identifiers: ClinVar variation 2576561 (VCV002576561.2), dbSNP rs2468149427, ClinGen allele CA2580614379.